The following is an entry in ClinVar:

NM_000719.7(CACNA1C):c.5569G>C (p.Glu1857Gln)

Genes: CACNA1C (calcium voltage-gated channel subunit alpha1 C; plus strand), CACNA1C-AS1 (CACNA1C antisense RNA 1; minus strand). Cytogenetic location: 12p13.33.
Variant type: single nucleotide variant.
Coding change: c.5569G>C on transcript NM_000719.7 (MANE Select); coding-DNA position 5569, G replaced by C.
Protein change: p.Glu1857Gln; replaces glutamic acid 1857 with glutamine.
Molecular consequence: missense variant.
Genome position (GRCh38, 1-based): chr12:2,682,674, G>C. VCF-style: chr12-2682674-G-C. GRCh37 (hg19) VCF-style: chr12-2791840-G-C.
Other names: c.5713G>C, p.Glu1905Gln (NM_001129827.2); c.5692G>C, p.Glu1898Gln (NM_001129829.2); c.5674G>C, p.Glu1892Gln (NM_001129830.3, NM_001167624.3); c.5653G>C, p.Glu1885Gln (NM_001129831.2); c.5629G>C, p.Glu1877Gln (NM_001129832.2); c.5626G>C, p.Glu1876Gln (NM_001129833.2, NM_001129834.2, NM_001129835.2); c.5620G>C, p.Glu1874Gln (NM_001129836.2); c.5593G>C, p.Glu1865Gln (NM_001129837.2, NM_001129838.2); and 6 more; short protein forms E1885Q, E1905Q, E1846Q, E1876Q, E1917Q, E1940Q, E1854Q, E1857Q.
Identifiers: ClinVar variation 4693589 (VCV004693589.1).

ClinVar aggregate classification (germline): Uncertain significance (1 of 4 stars; one submission).

Conditions:
Long QT syndrome (LQTS). Identifiers: MedGen C0023976, MeSH D008133, MONDO:0002442. Disease mechanism: loss of function. Inheritance: Various modes of inheritance.

Submission:

Labcorp Genetics (formerly Invitae), Labcorp
Classification: Uncertain significance for Long QT syndrome. Last evaluated: 2026-01-01. Review status: criteria provided, single submitter. Criteria: Invitae Variant Classification Sherloc (09022015). Collection method: clinical testing. Allele origin: germline.
Comment: This sequence change replaces glutamic acid, which is acidic and polar, with glutamine, which is neutral and polar, at codon 1857 of the CACNA1C protein (p.Glu1857Gln). This variant is not present in population databases (gnomAD no frequency). This variant has not been reported in the literature in individuals affected with CACNA1C-related conditions. Invitae Evidence Modeling of protein sequence and biophysical properties (such as structural, functional, and spatial information, amino acid conservation, physicochemical variation, residue mobility, and thermodynamic stability) indicates that this missense variant is not expected to disrupt CACNA1C protein function with a negative predictive value of 95%. In summary, the available evidence is currently insufficient to determine the role of this variant in disease. Therefore, it has been classified as a Variant of Uncertain Significance.